The following is an entry in ClinVar:

NM_033124.5(DRC2):c.956A>G (p.Gln319Arg)

Gene: DRC2 (dynein regulatory complex subunit 2; plus strand). Cytogenetic location: 12q13.12.
Variant type: single nucleotide variant.
Coding change: c.956A>G on transcript NM_033124.5 (MANE Select); coding-DNA position 956, A replaced by G.
Protein change: p.Gln319Arg; replaces glutamine 319 with arginine.
Molecular consequence: missense variant.
Genome position (GRCh38, 1-based): chr12:48,918,833, A>G. VCF-style: chr12-48918833-A-G. GRCh37 (hg19) VCF-style: chr12-49312616-A-G.
Other names: c.527A>G, p.Gln176Arg (NM_001286957.2); short protein forms Q319R, Q176R.
Identifiers: ClinVar variation 4787293 (VCV004787293.1).

ClinVar aggregate classification (germline): Uncertain significance (1 of 4 stars; one submission).

Conditions:
Primary ciliary dyskinesia 27. Also called: CILIARY DYSKINESIA, PRIMARY, 27, WITHOUT SITUS INVERSUS. Identifiers: Orphanet 244, MedGen C3809701, MONDO:0014215, OMIM 615504.

gnomAD v4.1: 40 of 1,613,888 alleles (0.0025%); highest among the groups gnomAD compares: Admixed American, 0.012%; no homozygotes.

Submission:

Labcorp Genetics (formerly Invitae), Labcorp
Classification: Uncertain significance for Primary ciliary dyskinesia 27. Last evaluated: 2025-09-24. Review status: criteria provided, single submitter. Criteria: Invitae Variant Classification Sherloc (09022015). Collection method: clinical testing. Allele origin: germline.
Comment: This sequence change replaces glutamine, which is neutral and polar, with arginine, which is basic and polar, at codon 319 of the CCDC65 protein (p.Gln319Arg). This variant is present in population databases (rs772375178, gnomAD 0.06%). This variant has not been reported in the literature in individuals affected with CCDC65-related conditions. An algorithm developed to predict the effect of missense changes on protein structure and function outputs the following: PolyPhen-2: "Benign". The arginine amino acid residue is found in multiple mammalian species, which suggests that this missense change does not adversely affect protein function. In summary, the available evidence is currently insufficient to determine the role of this variant in disease. Therefore, it has been classified as a Variant of Uncertain Significance.